The following is an entry in ClinVar:

NM_006096.4(NDRG1):c.925G>A (p.Val309Met)

Gene: NDRG1 (N-myc downstream regulated 1; minus strand). Cytogenetic location: 8q24.22.
Variant type: single nucleotide variant.
Coding change: c.925G>A on transcript NM_006096.4 (MANE Select); coding-DNA position 925, G replaced by A.
Protein change: p.Val309Met; replaces valine 309 with methionine.
Molecular consequence: missense variant.
Genome position (GRCh38, 1-based): chr8:133,242,041, C>T on the plus strand (G>A on the coding strand, the complement: NDRG1 is on the minus strand). VCF-style: chr8-133242041-C-T. GRCh37 (hg19) VCF-style: chr8-134254284-C-T.
Other names: c.925G>A, p.Val309Met (NM_001135242.2, NM_001374845.1, NM_001374846.1); c.727G>A, p.Val243Met (NM_001258432.2, NM_001374847.1); c.682G>A, p.Val228Met (NM_001258433.2); c.976G>A, p.Val326Met (NM_001374844.1); short protein forms V228M, V243M, V309M, V326M.
Identifiers: ClinVar variation 1505810 (VCV001505810.7), dbSNP rs1855413937, ClinGen allele CA372254726.
Genomic context (GRCh38, chr8:133,242,041, plus strand): 5'-CACATGCCCCGACCCACTGCACACGGGGAATGCCATACTCACTGTATCCCATGCCCTGCA[C>T]GAAGTACTTGAAGGCCTCAGCGAGCTTGGCCGGCTGCGAGAGACAAGGAGAGAAAATGCA-3'
Protein context (NP_006087.2, residues 299-319): AKLAEAFKYF[Val309Met]QGMGYMPSAS

ClinVar aggregate classification (germline): Uncertain significance. Review status: criteria provided, multiple submitters, no conflicts (2 of 4 stars). 2 submissions from 2 submitters: Uncertain significance (2). Last evaluated 2021-09-01.

Conditions:
Inborn genetic diseases. Identifiers: MedGen C0950123, MeSH D030342.
Charcot-Marie-Tooth disease type 4. Also called: Charcot-Marie-Tooth, Type 4; Charcot-Marie-Tooth disease, type IV. Identifiers: Orphanet 64749, MedGen C4082197, MONDO:0018995.

Allele frequency attached by ClinVar (database versions not stated): TOPMed below 0.00001; gnomAD 0.00001; gnomAD exomes 0.00001.
gnomAD v4.1: 9 of 1,614,074 alleles (0.00056%); highest among the groups gnomAD compares: African/African-American, 0.0013%; no homozygotes.

Submissions (2):

Labcorp Genetics (formerly Invitae), Labcorp
Classification: Uncertain significance for Charcot-Marie-Tooth disease type 4. Last evaluated: 2021-09-01. Review status: criteria provided, single submitter. Criteria: Invitae Variant Classification Sherloc (09022015). Collection method: clinical testing. Allele origin: germline.
Comment: This sequence change replaces valine with methionine at codon 309 of the NDRG1 protein (p.Val309Met). The valine residue is moderately conserved and there is a small physicochemical difference between valine and methionine. This variant is not present in population databases (ExAC no frequency). This variant has not been reported in the literature in individuals affected with NDRG1-related conditions. Algorithms developed to predict the effect of missense changes on protein structure and function are either unavailable or do not agree on the potential impact of this missense change (SIFT: "Deleterious"; PolyPhen-2: "Probably Damaging"; Align-GVGD: "Class C0"). In summary, the available evidence is currently insufficient to determine the role of this variant in disease. Therefore, it has been classified as a Variant of Uncertain Significance.

Ambry Genetics
Classification: Uncertain significance for Inborn genetic diseases. Last evaluated: 2020-10-15. Review status: criteria provided, single submitter. Criteria: Ambry Variant Classification Scheme 2023. Collection method: clinical testing. Allele origin: germline.
Comment: The p.V309M variant (also known as c.925G>A), located in coding exon 14 of the NDRG1 gene, results from a G to A substitution at nucleotide position 925. The valine at codon 309 is replaced by methionine, an amino acid with highly similar properties. This amino acid position is well conserved in available vertebrate species. In addition, this alteration is predicted to be tolerated by in silico analysis. Since supporting evidence is limited at this time, the clinical significance of this alteration remains unclear.